The following is an entry in ClinVar:

NC_000022.11:g.29603125_29698181del

Genes: NF2 (NF2, moesin-ezrin-radixin like (MERLIN) tumor suppressor; plus strand), LOC130067183 (ATAC-STARR-seq lymphoblastoid active region 18817; plus strand), LOC130067184 (ATAC-STARR-seq lymphoblastoid silent region 13595; plus strand). Cytogenetic location: 22q12.2.
Variant type: Deletion.
Identifiers: ClinVar variation 3338323 (VCV003338323.1).

ClinVar aggregate classification (germline): Pathogenic (1 of 4 stars; one submission).

Conditions:
Neurofibromatosis, type 2 (SWNV). Also called: NF2-Related Schwannomatosis; BILATERAL ACOUSTIC NEUROFIBROMATOSIS; SCHWANNOMATOSIS, VESTIBULAR. Identifiers: Orphanet 637, MedGen C0027832, MONDO:0007039, OMIM 101000. Disease mechanism: loss of function.

Submission:

ENT and Head and Neck Research Center and Department,  The Five Senses Health Institute, Iran University of Medical Sciences
Classification: Pathogenic for Neurofibromatosis, type 2. Last evaluated: 2024-08-18. Review status: criteria provided, single submitter. Criteria: ACMG Guidelines, 2015. Collection method: clinical testing. Allele origin: de novo. Affected: yes.
Comment: PVS1: null variant (multiexon deletion) in a gene where LOF is a known mechanism of disease PS2:De novo (both maternity and paternity confirmed) in a patient with the disease and no family history

Literature cited by the submitters: PubMed 15645494; PubMed 40249415.